The following is an entry in ClinVar:

NM_002878.4(RAD51D):c.263+1558A>G

Genes: RAD51D (RAD51 paralog D; minus strand), RAD51L3-RFFL (RAD51L3-RFFL readthrough; minus strand). Cytogenetic location: 17q12.
Variant type: single nucleotide variant.
Coding change: c.263+1558A>G on transcript NM_002878.4 (MANE Select); 1558 bases into the intron after coding-DNA position 263, A replaced by G.
Molecular consequence: intron variant. On other transcripts: missense variant (1).
Genome position (GRCh38, 1-based): chr17:35,116,943, T>C on the plus strand (A>G on the coding strand, the complement: RAD51D is on the minus strand). VCF-style: chr17-35116943-T-C. GRCh37 (hg19) VCF-style: chr17-33443962-T-C.
Other names: c.239A>G, p.Lys80Arg (NM_001142571.2); c.144+2168A>G (NM_133629.3); short protein forms K80R.
Identifiers: ClinVar variation 2635399 (VCV002635399.3), dbSNP rs747222668, ClinGen allele CA8499580.

ClinVar aggregate classification (germline): Uncertain significance. Review status: criteria provided, multiple submitters, no conflicts (2 of 4 stars). 3 submissions from 3 submitters: Uncertain significance (3). Last evaluated 2026-07-02.

Conditions:
Hereditary cancer-predisposing syndrome. Also called: Hereditary neoplastic syndrome; Hereditary Cancer Syndrome; Neoplastic Syndromes, Hereditary; Tumor predisposition. Identifiers: Orphanet 140162, MedGen C0027672, MeSH D009386, MONDO:0015356.
RAD51D-related disorder. Also called: RAD51D-related condition.

Allele frequency attached by ClinVar (database versions not stated): ExAC 0.00001; gnomAD 0.00001; gnomAD exomes below 0.00001; TOPMed 0.00001.
gnomAD v4.1: 4 of 1,613,424 alleles (0.00025%); highest among the groups gnomAD compares: African/African-American, 0.004%; no homozygotes.

Submissions (3):

Ambry Genetics
Classification: Uncertain significance for Hereditary cancer-predisposing syndrome. Last evaluated: 2026-07-02. Review status: criteria provided, single submitter. Criteria: Ambry Variant Classification Scheme 2023. Collection method: clinical testing. Allele origin: germline.
Comment: The p.K80R variant (also known as c.239A>G), located in coding exon 3 of the RAD51D gene, results from an A to G substitution at nucleotide position 239. The lysine at codon 80 is replaced by arginine, an amino acid with highly similar properties. This amino acid position is conserved. In addition, this alteration is predicted to be tolerated by in silico analysis. Based on the available evidence, the clinical significance of this variant remains unclear.

Blueprint Genetics
Classification: Uncertain significance. Last evaluated: 2024-07-17. Review status: criteria provided, single submitter. Criteria: ACMG Guidelines, 2015. Collection method: clinical testing. Allele origin: germline.

PreventionGenetics, part of Exact Sciences
Classification: Uncertain significance for RAD51D-related condition. Last evaluated: 2022-11-29. Review status: criteria provided, single submitter. Criteria: ACMG Guidelines, 2015. Collection method: clinical testing. Allele origin: germline.
Comment: The RAD51D c.239A>G variant is predicted to result in the amino acid substitution p.Lys80Arg. This variant corresponds to a deep intronic position in the primary transcript for this gene (NM_002878.3:c.263+1558A>G). To our knowledge, this variant has not been reported in the literature. This variant is reported in 0.0042% of alleles in individuals of African descent in gnomAD. Although we suspect that this variant may be benign, at this time, the clinical significance of this variant is uncertain due to the absence of conclusive functional and genetic evidence.